The following is an entry in ClinVar:

NM_025145.7(CFAP43):c.1861-7T>C

Gene: CFAP43 (cilia and flagella associated protein 43; minus strand). Cytogenetic location: 10q25.1.
Variant type: single nucleotide variant.
Coding change: c.1861-7T>C on transcript NM_025145.7 (MANE Select); 7 bases into the intron before coding-DNA position 1861, T replaced by C.
Molecular consequence: intron variant.
Genome position (GRCh38, 1-based): chr10:104,186,130, A>G on the plus strand (T>C on the coding strand, the complement: CFAP43 is on the minus strand). VCF-style: chr10-104186130-A-G. GRCh37 (hg19) VCF-style: chr10-105945888-A-G.
Other names: c.1861-7T>C (NM_025145.6).
Identifiers: ClinVar variation 711538 (VCV000711538.5), dbSNP rs144274358, ClinGen allele CA5680786.

ClinVar aggregate classification (germline): Benign. Review status: criteria provided, multiple submitters, no conflicts (2 of 4 stars). 2 submissions from 2 submitters: Benign (2). Last evaluated 2025-06-28.

Conditions:
CFAP43-related disorder. Also called: CFAP43-related condition.

Allele frequency attached by ClinVar (database versions not stated): gnomAD exomes 0.00023 and 0.00074; ExAC 0.00090; gnomAD 0.00271 and 0.00288; TOPMed 0.00283; ESP Exome Variant Server 0.00315; 1000 Genomes Project 0.00319; 1000 Genomes Project 30x 0.00328.
gnomAD v4.1: 725 of 1,474,106 alleles (0.049%); highest among the groups gnomAD compares: African/African-American, 0.88%; 2 homozygotes.

Submissions (2):

PreventionGenetics, part of Exact Sciences
Classification: Benign for CFAP43-related condition. Last evaluated: 2025-06-28. Review status: criteria provided, single submitter. Criteria: ACMG Guidelines, 2015. Collection method: clinical testing. Allele origin: germline.
Comment: This variant is classified as benign based on ACMG/AMP sequence variant interpretation guidelines (Richards et al. 2015 PMID: 25741868, with internal and published modifications).

Labcorp Genetics (formerly Invitae), Labcorp
Classification: Benign. Last evaluated: 2019-12-31. Review status: criteria provided, single submitter. Criteria: Invitae Variant Classification Sherloc (09022015). Collection method: clinical testing. Allele origin: germline.